The following is an entry in ClinVar:

ClinVar aggregate classification (germline): Likely pathogenic. Review status: reviewed by expert panel (3 of 4 stars). 8 submissions from 8 submitters: Likely pathogenic (1). 7 of the submissions do not count toward it. Last evaluated 2026-08-28.

Conditions:
Anauxetic dysplasia. Identifiers: Orphanet 93347, MedGen C1846796, MONDO:0011773.
Skeletal dysplasia. Also called: Primary bone dysplasia. Identifiers: Orphanet 364526, MedGen C0410528, MONDO:0018230, HP:0002652.
Metaphyseal chondrodysplasia, McKusick type (CHH). Also called: Cartilage-hair hypoplasia; Cartilage-Hair Hypoplasia (CHH). Identifiers: Orphanet 175, MedGen C0220748, MONDO:0009595, OMIM 250250.
RMRP-related disorder. Also called: RMRP-related condition.
Metaphyseal dysplasia without hypotrichosis. Also called: Metaphyseal Dysplasia without Hypotrichosis (MDWH); CARTILAGE-HAIR HYPOPLASIA VARIANT, SKELETAL MANIFESTATIONS ONLY; CARTILAGE-HAIR HYPOPLASIA-LIKE SKELETAL DYSPLASIA WITHOUT HYPOTRICHOSIS OR IMMUNODEFICIENCY. Identifiers: MedGen C1834821, MONDO:0009601, OMIM 250460.

Allele frequency attached by ClinVar (database versions not stated): TOPMed 0.00005.
gnomAD v4.1: 16 of 693,312 alleles (0.0023%); highest among the groups gnomAD compares: Admixed American, 0.014%; no homozygotes.

Submissions (8):

ClinGen Severe Combined Immunodeficiency Variant Curation Expert Panel, ClinGen
Classification: Likely pathogenic for Metaphyseal chondrodysplasia, McKusick type. Last evaluated: 2026-08-28. Review status: reviewed by expert panel. Criteria: ClinGen SCID ACMG Specifications RMRP V1.3. Collection method: curation. Allele origin: germline. Inheritance: Autosomal recessive inheritance.
Comment: The n.182G>A variant, also known as n.181G>A/180G>A in RMRP gene, that encodes for RNA component of mitochondrial RNA processing endoribonuclease. This variant has been detected in at least 5 individuals with cartilage-hair hypoplasia. All of them were compound heterozygous for LP variants (5pts total; PMIDs: 16838329, 32021596, 12107819) (PM3_Very Strong). Reported in compound heterozygous with -1_-21dupCTCTGTGAAGCTGAGGACGTG which is an LP variant (NC_000009.12:g.35658018_35658038) (ClinVar ID: 929121) in one patient with CHH (1pt) (PMID: 16838329). Reported in compound heterozygous with -15_-24dupCTACTCTGTG which is an LP variant (NC_000009.12:g.35658032_35658041) (ClinVar Variation ID: 557391)in one patient with CHH (1pt) (PMID: 16838329). Reported in compound heterozygous with -11_-25dupACTACTCTGTGAAGC (NC_000009.12:g.35658028_35658042) (ClinVar Variation ID: 14211) in one patient with CHH (1pt) (PMID: 16838329). Reported in compound heterozygous status with g.–19_–3dup17TCTGTGAAGCTGAGGAC which is a LP (ClinVar ID: 14214), in 1 patient [Patient 8] with CHH [1pt] (PMID: 32021596). Reported in compound heterozygous status with A70G which is a P, in 1 patient with CHH [1pt]. The article mentions the variant as 180G>A (PMID: 12107819) [Total: 5 points so PM3_Very strong]. At least one patient (Patient 24) with this variant displayed metaphyseal dysplasia (1pt), Hirschsprung Disease (0.25), and hypotrichosis (0.5pt), which is highly specific for cartilage-hair hypoplasia (1.75pts, PP4_Supporting; PMIDs: 16838329). Therefore, the n.182G>A variant in RMRP gene is classified as likely pathogenic for Autosomal Recessive Cartilage Hair Hypoplasia based on the ACMG/AMP criteria applied, as specified by the ClinGen SCID VCEP: PM3_Very strong, PP4 (SCID VCEP specifications version 1.3, 7/22/2026).

Clinical Genetics Laboratory, Skane University Hospital Lund
Classification: Pathogenic for Skeletal dysplasia. Last evaluated: 2026-08-18. Review status: criteria provided, single submitter. Criteria: ACMG Guidelines, 2015. Collection method: clinical testing. Allele origin: germline. Inheritance: Autosomal recessive inheritance. Affected: yes. Not counted in ClinVar's aggregate classification.
Comment: Assessed according to the ClinGen Severe Combined Immunodeficiency Disease Expert Panel Specifications to the ACMG/AMP Variant Interpretation Guidelines for RMRP Version 1.1.0. Criteria applied: PS3_supporting, PM3_Very_Strong, PP4

Labcorp Genetics (formerly Invitae), Labcorp
Classification: Pathogenic for Anauxetic dysplasia. Last evaluated: 2025-12-08. Review status: criteria provided, single submitter. Criteria: Invitae Variant Classification Sherloc (09022015). Collection method: clinical testing. Allele origin: germline. Not counted in ClinVar's aggregate classification.
Comment: This variant occurs in the RMRP gene, which encodes an RNA molecule that does not result in a protein product. This variant is present in population databases (no rsID available, gnomAD 0.03%). This variant has been observed in individual(s) with clinical features of cartilage-hair hypoplasia anauxetic dysplasia spectrum disorders (PMID: 16254002, 16838329, 27862957). This variant is also known as 180G>A and c.-542C>C/T. ClinVar contains an entry for this variant (Variation ID: 928881). For these reasons, this variant has been classified as Pathogenic.

PreventionGenetics, part of Exact Sciences
Classification: Pathogenic for RMRP-related condition. Last evaluated: 2025-08-19. Review status: criteria provided, single submitter. Criteria: ACMG Guidelines, 2015. Collection method: clinical testing. Allele origin: germline. Not counted in ClinVar's aggregate classification.
Comment: The RMRP n.181G>A is a noncoding alteration. This variant is also known as 180G>A and c.-542C>C/T. This variant has been reported in addition to another RMRP variant in at least three individuals with Cartilage-Hair hypoplasia (as 180A, Ridanpaa et al. 2002. PubMed ID: 12107819; as 180G>A, Hermanns et al. 2006. PubMed ID: 16838329; as c.-542C>C/T, Castilla-Cortázar et al. 2016. PubMed ID: 27862957). This variant is reported in 0.025% of alleles in individuals of Latino descent in gnomAD. This variant is interpreted as pathogenic.

Natera, Inc.
Classification: Pathogenic for Cartilage-hair hypoplasia. Last evaluated: 2025-08-06. Review status: criteria provided, single submitter. Criteria: Natera Variant Classification Schema (03/2026). Collection method: clinical testing. Allele origin: germline. Not counted in ClinVar's aggregate classification.
Comment: The n.181G>A variant in RMRP is characterized as a single nucleotide variant (SNV). This variant is rare in the general population with a frequency below the threshold expected for the associated phenotype(s). This variant has been observed in one or more individuals affected with the associated recessive disease, as either homozygous or compound heterozygous with a second variant (PMID: 16254002, 16838329, 12107819). Functional studies show that this variant may disrupt protein function (PMID: 16254002). Given the available evidence, this variant is classified as Pathogenic.

Blueprint Genetics
Classification: Pathogenic for RMRP-related disorders. Last evaluated: 2024-07-17. Review status: criteria provided, single submitter. Criteria: ACMG Guidelines, 2015. Collection method: clinical testing. Allele origin: germline. Affected: yes. Observed: 3 variant alleles. Not counted in ClinVar's aggregate classification.

Department of Pathology and Laboratory Medicine, Sinai Health System
Classification: Pathogenic for Metaphyseal chondrodysplasia, McKusick type; Metaphyseal dysplasia without hypotrichosis. Last evaluated: 2023-05-29. Review status: criteria provided, single submitter. Criteria: ACMG Guidelines, 2015. Collection method: research. Allele origin: germline. Not counted in ClinVar's aggregate classification.

Women's Health and Genetics/Laboratory Corporation of America, LabCorp
Classification: Pathogenic for Metaphyseal chondrodysplasia, McKusick type. Last evaluated: 2022-10-24. Review status: criteria provided, single submitter. Criteria: LabCorp Variant Classification Summary - May 2015. Collection method: clinical testing. Allele origin: germline. Not counted in ClinVar's aggregate classification.
Comment: Variant summary: RMRP n.181G>A alters a nucleotide in the non-coding RNA and was at the nucleotides involved in base pairing in the secondary structure of the RNA molecule, compromising the hairpin structure topology (Gomes_2019). Also, this variant was located in P12 domain which is important region for binding POP1 and RPP38 to the RNA molecule (PMID: 15096576). The variant allele was found at a frequency of 4.6e-05 in 130180 control chromosomes (gnomAD). n.181G>A has been reported in the literature in individuals affected with Cartilage-Hair Hypoplasia (Ridanpaa 2002, Hermanns 2005, Hermanns 2006, Castilla-Cortazar 2017, Gomes_2019). These data indicate that the variant is very likely to be associated with disease. At least one publication reported experimental evidence evaluating an impact on RMRP expression. The most pronounced variant effect results in 10%-<30% of normal RMRP expression (Hermanns 2005). One ClinVar submitter (evaluation after 2014) cites the variant as pathogenic. Based on the evidence outlined above, the variant was classified as pathogenic.

Literature cited by the submitters: PubMed 16254002 (cited by 3 submitters); PubMed 16838329 (cited by 3 submitters); PubMed 27862957 (cited by Labcorp Genetics (formerly Invitae), Labcorp and Women's Health and Genetics/Laboratory Corporation of America, LabCorp); PubMed 12107819 (cited by Natera, Inc. and Women's Health and Genetics/Laboratory Corporation of America, LabCorp); PubMed 32021596 (cited by Women's Health and Genetics/Laboratory Corporation of America, LabCorp).

NR_003051.4(RMRP):n.182G>A

Gene: RMRP (RNA component of mitochondrial RNA processing endoribonuclease; minus strand). Cytogenetic location: 9p13.3.
Variant type: single nucleotide variant.
Genome position: GRCh38 VCF-style: chr9-35657838-C-T. GRCh37 (hg19) VCF-style: chr9-35657835-C-T.
Identifiers: ClinVar variation 928881 (VCV000928881.15), dbSNP rs1004469515, ClinGen allele CA192745579.